The following is an entry in ClinVar:

ClinVar aggregate classification (germline): Uncertain significance (1 of 4 stars; one submission).

Conditions:
DNAH5-related disorder. Also called: DNAH5-related condition.

Submission:

PreventionGenetics, part of Exact Sciences
Classification: Uncertain significance for DNAH5-related condition. Last evaluated: 2023-05-29. Review status: criteria provided, single submitter. Criteria: ACMG Guidelines, 2015. Collection method: clinical testing. Allele origin: germline.
Comment: The DNAH5 c.10421C>T variant is predicted to result in the amino acid substitution p.Thr3474Ile. To our knowledge, this variant has not been reported in the literature or in a large population database, indicating this variant is rare. At this time, the clinical significance of this variant is uncertain due to the absence of conclusive functional and genetic evidence.

NM_001369.3(DNAH5):c.10421C>T (p.Thr3474Ile)

Gene: DNAH5 (dynein axonemal heavy chain 5; minus strand). Cytogenetic location: 5p15.2.
Variant type: single nucleotide variant.
Coding change: c.10421C>T on transcript NM_001369.3 (MANE Select); coding-DNA position 10421, C replaced by T.
Protein change: p.Thr3474Ile; replaces threonine 3474 with isoleucine.
Molecular consequence: missense variant.
Genome position (GRCh38, 1-based): chr5:13,754,337, G>A on the plus strand (C>T on the coding strand, the complement: DNAH5 is on the minus strand). VCF-style: chr5-13754337-G-A. GRCh37 (hg19) VCF-style: chr5-13754446-G-A.
Other names: short protein forms T3474I.
Identifiers: ClinVar variation 2632701 (VCV002632701.1), dbSNP rs2546618916, ClinGen allele CA359194326.